The following is an entry in ClinVar:

NM_000492.3(CFTR):c.-85C>A

Genes: CFTR (CF transmembrane conductance regulator; plus strand), LOC111674463 (CFTR promoter region; plus strand). Cytogenetic location: 7q31.2.
Variant type: single nucleotide variant.
Coding change: c.-85C>A on transcript NM_000492.3; 85 bases upstream of the start codon, C replaced by A.
Genome position (GRCh38, 1-based): chr7:117,480,010, C>A. VCF-style: chr7-117480010-C-A. GRCh37 (hg19) VCF-style: chr7-117120064-C-A.
Identifiers: ClinVar variation 3051881 (VCV003051881.2), dbSNP rs530414231, ClinGen allele CA164948783.

ClinVar aggregate classification (germline): Likely benign (0 of 4 stars; one submission).

Conditions:
CFTR-related disorder (CFTR-RD). Also called: CFTR-related disorders; CFTR-related condition. Identifiers: MedGen C5924204, MONDO:7770004.

Allele frequency attached by ClinVar (database versions not stated): 1000 Genomes Project 30x 0.00016; gnomAD 0.00004; TOPMed 0.00008; 1000 Genomes Project 0.00020.

Submission:

PreventionGenetics, part of Exact Sciences
Classification: Likely benign for CFTR-related condition. Last evaluated: 2020-02-11. Review status: no assertion criteria provided. Collection method: clinical testing. Allele origin: germline.
Comment: This variant is classified as likely benign based on ACMG/AMP sequence variant interpretation guidelines (Richards et al. 2015 PMID: 25741868, with internal and published modifications).